The following is an entry in ClinVar:

NM_000061.3(BTK):c.1069G>A (p.Glu357Lys)

Gene: BTK (Bruton tyrosine kinase; minus strand). Cytogenetic location: Xq22.1.
Variant type: single nucleotide variant.
Coding change: c.1069G>A on transcript NM_000061.3 (MANE Select); coding-DNA position 1069, G replaced by A.
Protein change: p.Glu357Lys; replaces glutamic acid 357 with lysine.
Molecular consequence: missense variant. On other transcripts: intron variant (1).
Genome position (GRCh38, 1-based): chrX:101,358,343, C>T on the plus strand (G>A on the coding strand, the complement: BTK is on the minus strand). VCF-style: chrX-101358343-C-T. GRCh37 (hg19) VCF-style: chrX-100613331-C-T.
Other names: c.1171G>A, p.Glu391Lys (NM_001287344.2); c.1038+31G>A (NM_001287345.2); short protein forms E357K, E391K.
Identifiers: ClinVar variation 461816 (VCV000461816.8), dbSNP rs1555978130, ClinGen allele CA413927847.

ClinVar aggregate classification (germline): Uncertain significance (1 of 4 stars; one submission).

Conditions:
X-linked agammaglobulinemia with growth hormone deficiency (IGHD3). Also called: AGAMMAGLOBULINEMIA AND ISOLATED GROWTH HORMONE DEFICIENCY, X-LINKED; FLEISHER SYNDROME; HYPOGAMMAGLOBULINEMIA AND ISOLATED GROWTH HORMONE DEFICIENCY, X-LINKED; IGHD III; ISOLATED GROWTH HORMONE DEFICIENCY, TYPE III, WITH AGAMMAGLOBULINEMIA; Isolated growth hormone deficiency type 3. Identifiers: Orphanet 231692, Orphanet 631, MedGen C0472813, MONDO:0010615, OMIM 307200.

Submission:

Labcorp Genetics (formerly Invitae), Labcorp
Classification: Uncertain significance for X-linked agammaglobulinemia with growth hormone deficiency. Last evaluated: 2022-07-19. Review status: criteria provided, single submitter. Criteria: Invitae Variant Classification Sherloc (09022015). Collection method: clinical testing. Allele origin: germline.
Comment: This sequence change replaces glutamic acid, which is acidic and polar, with lysine, which is basic and polar, at codon 357 of the BTK protein (p.Glu357Lys). This variant is not present in population databases (gnomAD no frequency). This variant has not been reported in the literature in individuals affected with BTK-related conditions. ClinVar contains an entry for this variant (Variation ID: 461816). Algorithms developed to predict the effect of missense changes on protein structure and function are either unavailable or do not agree on the potential impact of this missense change (SIFT: "Deleterious"; PolyPhen-2: "Possibly Damaging"; Align-GVGD: "Class C15"). In summary, the available evidence is currently insufficient to determine the role of this variant in disease. Therefore, it has been classified as a Variant of Uncertain Significance.